The following is an entry in ClinVar:

ClinVar aggregate classification (germline): Likely pathogenic (1 of 4 stars; one submission).

Conditions:
Hereditary spherocytosis type 1. Also called: Spherocytosis type 1; ANK1-Related Spherocytosis. Identifiers: Orphanet 822, MedGen C2674218, MONDO:0008447, OMIM 182900.

Submission:

Diagnostics Services (NGS), CSIR - Centre For Cellular And Molecular Biology
Classification: Likely pathogenic for Hereditary spherocytosis type 1. Last evaluated: 2023-05-26. Review status: criteria provided, single submitter. Criteria: ACMG Guidelines, 2015. Collection method: clinical testing. Allele origin: unknown. Affected: yes. Observed: 1 variant allele, 1 heterozygote.
Comment: The c.2632G>T variant is not present in publicly available population databases like 1000 Genomes, ExAC, EVS, gnomAD, Indian Exome Database or our in-house exome database. The variant has neither been published in literature nor reported to clinical databases like in ClinVar, Human Gene Mutation Database (HGMD) or OMIM, in any affected individuals. In-silico pathogenicity prediction programs like SIFT, PolyPhen2, MutationTaster2, CADD, Varsome, Franklin, InterVar etc predicted this variant to be likely deleterious. This variant creates a premature translational stop signal at the 878th amino acid position of the transcript that may either result in translation of a truncated protein or cause nonsense mediated decay of the mRNA.

NM_000037.4(ANK1):c.2632G>T (p.Glu878Ter)

Gene: ANK1 (ankyrin 1; minus strand). Cytogenetic location: 8p11.21.
Variant type: single nucleotide variant.
Coding change: c.2632G>T on transcript NM_000037.4 (MANE Select); coding-DNA position 2632, G replaced by T.
Protein change: p.Glu878Ter; replaces glutamic acid 878 with a stop codon.
Molecular consequence: nonsense.
Genome position (GRCh38, 1-based): chr8:41,698,048, C>A on the plus strand (G>T on the coding strand, the complement: ANK1 is on the minus strand). VCF-style: chr8-41698048-C-A. GRCh37 (hg19) VCF-style: chr8-41555566-C-A.
Other names: c.2755G>T, p.Glu919Ter (NM_001142446.2); c.2632G>T, p.Glu878Ter (NM_020475.3, NM_020476.3, NM_020477.3); short protein forms E878*, E919*.
Identifiers: ClinVar variation 2505349 (VCV002505349.2), dbSNP rs1821604564, ClinGen allele CA371063240.